The following is an entry in ClinVar:

NM_001371986.1(UNC80):c.1141C>T (p.Pro381Ser)

Gene: UNC80 (unc-80 homolog, NALCN channel complex subunit; plus strand). Cytogenetic location: 2q34.
Variant type: single nucleotide variant.
Coding change: c.1141C>T on transcript NM_001371986.1 (MANE Select); coding-DNA position 1141, C replaced by T.
Protein change: p.Pro381Ser; replaces proline 381 with serine.
Molecular consequence: missense variant.
Genome position (GRCh38, 1-based): chr2:209,813,782, C>T. VCF-style: chr2-209813782-C-T. GRCh37 (hg19) VCF-style: chr2-210678506-C-T.
Other names: c.1141C>T, p.Pro381Ser (NM_032504.2, NM_182587.4); c.1141C>T (NM_032504.1); short protein forms P381S.
Identifiers: ClinVar variation 2120739 (VCV002120739.3), dbSNP rs2079532343, ClinGen allele CA350133450.

ClinVar aggregate classification (germline): Uncertain significance. Review status: criteria provided, multiple submitters, no conflicts (2 of 4 stars). 2 submissions from 2 submitters: Uncertain significance (2). Last evaluated 2025-02-07.

Conditions:
Inborn genetic diseases. Identifiers: MedGen C0950123, MeSH D030342.

Allele frequency attached by ClinVar (database versions not stated): TOPMed 0.00001.

Submissions (2):

Ambry Genetics
Classification: Uncertain significance for Inborn genetic diseases. Last evaluated: 2025-02-07. Review status: criteria provided, single submitter. Criteria: Ambry Variant Classification Scheme 2023. Collection method: clinical testing. Allele origin: germline.

Labcorp Genetics (formerly Invitae), Labcorp
Classification: Uncertain significance. Last evaluated: 2022-04-01. Review status: criteria provided, single submitter. Criteria: Invitae Variant Classification Sherloc (09022015). Collection method: clinical testing. Allele origin: germline.
Comment: In summary, the available evidence is currently insufficient to determine the role of this variant in disease. Therefore, it has been classified as a Variant of Uncertain Significance. Algorithms developed to predict the effect of missense changes on protein structure and function are either unavailable or do not agree on the potential impact of this missense change (SIFT: "Not Available"; PolyPhen-2: "Benign"; Align-GVGD: "Not Available"). This variant has not been reported in the literature in individuals affected with UNC80-related conditions. This variant is not present in population databases (gnomAD no frequency). This sequence change replaces proline, which is neutral and non-polar, with serine, which is neutral and polar, at codon 381 of the UNC80 protein (p.Pro381Ser).